The following is an entry in ClinVar:

ClinVar aggregate classification (germline): Uncertain significance (1 of 4 stars; one submission).

Conditions:
Familial adenomatous polyposis 1 (FAP1). Also called: FAMILIAL ADENOMATOUS POLYPOSIS 1, ATTENUATED; POLYPOSIS, ADENOMATOUS INTESTINAL. Identifiers: MedGen C2713442, MONDO:0021056, OMIM 175100. Disease mechanism: loss of function.

Submission:

Labcorp Genetics (formerly Invitae), Labcorp
Classification: Uncertain significance for Familial adenomatous polyposis 1. Last evaluated: 2023-08-28. Review status: criteria provided, single submitter. Criteria: Invitae Variant Classification Sherloc (09022015). Collection method: clinical testing. Allele origin: germline.
Comment: This variant is not present in population databases (gnomAD no frequency). ClinVar contains an entry for this variant (Variation ID: 1471213). This variant has not been reported in the literature in individuals affected with APC-related conditions. This sequence change replaces glutamine, which is neutral and polar, with histidine, which is basic and polar, at codon 2646 of the APC protein (p.Gln2646His). In summary, the available evidence is currently insufficient to determine the role of this variant in disease. Therefore, it has been classified as a Variant of Uncertain Significance. Advanced modeling of protein sequence and biophysical properties (such as structural, functional, and spatial information, amino acid conservation, physicochemical variation, residue mobility, and thermodynamic stability) performed at Invitae indicates that this missense variant is not expected to disrupt APC protein function.

NM_000038.6(APC):c.7938A>T (p.Gln2646His)

Gene: APC (APC regulator of Wnt signaling pathway; plus strand). Cytogenetic location: 5q22.2.
Variant type: single nucleotide variant.
Coding change: c.7938A>T on transcript NM_000038.6 (MANE Select); coding-DNA position 7938, A replaced by T.
Protein change: p.Gln2646His; replaces glutamine 2646 with histidine.
Molecular consequence: missense variant.
Genome position (GRCh38, 1-based): chr5:112,843,532, A>T. VCF-style: chr5-112843532-A-T. GRCh37 (hg19) VCF-style: chr5-112179229-A-T.
Other names: c.7938A>T, p.Gln2646His (NM_001127510.3, NM_001354895.2); c.7884A>T, p.Gln2628His (NM_001127511.3); c.7992A>T, p.Gln2664His (NM_001354896.2); c.7968A>T, p.Gln2656His (NM_001354897.2); c.7863A>T, p.Gln2621His (NM_001354898.2); c.7854A>T, p.Gln2618His (NM_001354899.2); c.7815A>T, p.Gln2605His (NM_001354900.2); c.7761A>T, p.Gln2587His (NM_001354901.2); and 5 more; short protein forms Q2486H, Q2555H, Q2656H, Q2520H, Q2605H, Q2621H, Q2646H, Q2587H.
Identifiers: ClinVar variation 1471213 (VCV001471213.8), dbSNP rs1580688401, ClinGen allele CA16038570.